The following is an entry in ClinVar:

ClinVar aggregate classification (germline): Pathogenic (1 of 4 stars; one submission).

Conditions:
Neurofibromatosis, type 1 (NF1). Also called: Neurofibromatosis, type I; VON RECKLINGHAUSEN DISEASE; NEUROFIBROMATOSIS, TYPE I, SOMATIC; Peripheral type neurofibromatosis. Identifiers: Orphanet 636, MedGen C0027831, MONDO:0018975, OMIM 162200. Disease mechanism: loss of function.

Submission:

Labcorp Genetics (formerly Invitae), Labcorp
Classification: Pathogenic for Neurofibromatosis, type 1. Last evaluated: 2021-08-22. Review status: criteria provided, single submitter. Criteria: Invitae Variant Classification Sherloc (09022015). Collection method: clinical testing. Allele origin: germline.
Comment: This variant is not present in population databases (ExAC no frequency). For these reasons, this variant has been classified as Pathogenic. This variant has not been reported in the literature in individuals affected with NF1-related conditions. This sequence change creates a premature translational stop signal (p.Ile271Lysfs*11) in the NF1 gene. It is expected to result in an absent or disrupted protein product. Loss-of-function variants in NF1 are known to be pathogenic (PMID: 10712197, 23913538).

Literature cited by the submitters: PubMed 10712197; PubMed 23913538.

NM_001042492.3(NF1):c.810_811dup (p.Ile271fs)

Gene: NF1 (neurofibromin 1; plus strand). Cytogenetic location: 17q11.2.
Variant type: Duplication.
Coding change: c.810_811dup on transcript NM_001042492.3 (MANE Select); coding-DNA positions 810 to 811, 2 bases duplicated (AA; older notation c.810_811dupAA).
Protein change: p.Ile271fs; shifts the reading frame from isoleucine 271.
Molecular consequence: frameshift variant.
Genome position (GRCh38, 1-based): chr17:31,182,587-31,182,588, AA duplicated; duplicating any 2 consecutive bases within chr17:31,182,586-31,182,588 gives the same sequence; the c. name uses the placement nearest the transcript's 3' end. VCF-style (leftmost placement, unchanged base first): chr17-31182585-C-CAA. GRCh37 (hg19) VCF-style: chr17-29509603-C-CAA.
Other names: c.810_811dup, p.Ile271Lysfs (NM_000267.4); c.810_811dup, p.Ile271fs (NM_001128147.3); short protein forms I271fs.
Identifiers: ClinVar variation 1457036 (VCV001457036.6), dbSNP rs2143785938, ClinGen allele CA2573153741.
Genomic context (GRCh38, chr17:31,182,585, plus strand): 5'-TTTGACTTGGTGGATGGTTTTGCTGAAAGCACCAAACGTAAAGCAGCAGTTTGGCCACTA[C>CAA]AAATCATTCTCCTTATCTTGTGTCCAGAAATAATCCAGGATATATCCAAAGACGTGGTTG-3'